The following is an entry in ClinVar:

NM_004371.4(COPA):c.2754G>A (p.Gln918=)

Gene: COPA (coat protein complex I subunit alpha; minus strand). Cytogenetic location: 1q23.2.
Variant type: single nucleotide variant.
Coding change: c.2754G>A on transcript NM_004371.4 (MANE Select); coding-DNA position 2754, G replaced by A.
Protein change: p.Gln918=; no amino-acid change (glutamine 918 retained).
Molecular consequence: synonymous variant.
Genome position (GRCh38, 1-based): chr1:160,293,386, C>T on the plus strand (G>A on the coding strand, the complement: COPA is on the minus strand). VCF-style: chr1-160293386-C-T. GRCh37 (hg19) VCF-style: chr1-160263176-C-T.
Other names: c.2781G>A, p.Gln927= (NM_001098398.2).
Identifiers: ClinVar variation 2854693 (VCV002854693.3), dbSNP rs2525353195, ClinGen allele CA421367854.
Genomic context (GRCh38, chr1:160,293,386, plus strand): 5'-TTATATACCAATCAAGTATTAGCCACTCATCCCTGCCGTGCTAGGTTTCTTCCCGCTTAC[C>T]TGAGTTGGACTTGTTCCCTTGGTTGGGGGCACAAAGAAACCATCTTCAGCCCCACCAGCT-3'
Protein context (NP_004362.2, residues 908-928): VPPTKGTSPT[Gln918=]IWCNNSQLPV

ClinVar aggregate classification (germline): Uncertain significance (1 of 4 stars; one submission).

Conditions:
Autoimmune interstitial lung disease-arthritis syndrome. Also called: Autoinflammation and autoimmunity, systemic, with immune dysregulation. Identifiers: Orphanet 444092, MedGen C5975714, MONDO:0014629.

Submission:

Labcorp Genetics (formerly Invitae), Labcorp
Classification: Uncertain significance for Autoimmune interstitial lung disease-arthritis syndrome. Last evaluated: 2024-01-22. Review status: criteria provided, single submitter. Criteria: Invitae Variant Classification Sherloc (09022015). Collection method: clinical testing. Allele origin: germline.
Comment: This sequence change affects codon 918 of the COPA mRNA. It is a 'silent' change, meaning that it does not change the encoded amino acid sequence of the COPA protein. This variant also falls at the last nucleotide of exon 26, which is part of the consensus splice site for this exon. This variant is not present in population databases (gnomAD no frequency). This variant has not been reported in the literature in individuals affected with COPA-related conditions. Variants that disrupt the consensus splice site are a relatively common cause of aberrant splicing (PMID: 17576681, 9536098). Algorithms developed to predict the effect of sequence changes on RNA splicing suggest that this variant is not likely to affect RNA splicing. In summary, the available evidence is currently insufficient to determine the role of this variant in disease. Therefore, it has been classified as a Variant of Uncertain Significance.

Literature cited by the submitters: PubMed 17576681; PubMed 9536098.